The following is an entry in ClinVar:

ClinVar aggregate classification (germline): Uncertain significance. Review status: criteria provided, multiple submitters, no conflicts (2 of 4 stars). 2 submissions from 2 submitters: Uncertain significance (2). Last evaluated 2023-05-28.

Conditions:
Inborn genetic diseases. Identifiers: MedGen C0950123, MeSH D030342.

Allele frequency attached by ClinVar (database versions not stated): TOPMed 0.00001; ExAC 0.00003.
gnomAD v4.1: 20 of 1,613,800 alleles (0.0012%); highest among the groups gnomAD compares: Admixed American, 0.0033%; no homozygotes.

Submissions (2):

Labcorp Genetics (formerly Invitae), Labcorp
Classification: Uncertain significance. Last evaluated: 2023-05-28. Review status: criteria provided, single submitter. Criteria: Invitae Variant Classification Sherloc (09022015). Collection method: clinical testing. Allele origin: germline.
Comment: In summary, the available evidence is currently insufficient to determine the role of this variant in disease. Therefore, it has been classified as a Variant of Uncertain Significance. An algorithm developed to predict the effect of missense changes on protein structure and function (PolyPhen-2) suggests that this variant is likely to be disruptive. This variant has not been reported in the literature in individuals affected with HSPG2-related conditions. This variant is present in population databases (rs757800931, gnomAD 0.006%). This sequence change replaces arginine, which is basic and polar, with glutamine, which is neutral and polar, at codon 2697 of the HSPG2 protein (p.Arg2697Gln).

Ambry Genetics
Classification: Uncertain significance for Inborn genetic diseases. Last evaluated: 2023-04-28. Review status: criteria provided, single submitter. Criteria: Ambry Variant Classification Scheme 2023. Collection method: clinical testing. Allele origin: germline.

NM_005529.7(HSPG2):c.8090G>A (p.Arg2697Gln)

Gene: HSPG2 (heparan sulfate proteoglycan 2; minus strand). Cytogenetic location: 1p36.12.
Variant type: single nucleotide variant.
Coding change: c.8090G>A on transcript NM_005529.7 (MANE Select); coding-DNA position 8090, G replaced by A.
Protein change: p.Arg2697Gln; replaces arginine 2697 with glutamine.
Molecular consequence: missense variant.
Genome position (GRCh38, 1-based): chr1:21,847,428, C>T on the plus strand (G>A on the coding strand, the complement: HSPG2 is on the minus strand). VCF-style: chr1-21847428-C-T. GRCh37 (hg19) VCF-style: chr1-22173921-C-T.
Other names: c.8093G>A, p.Arg2698Gln (NM_001291860.2); short protein forms R2698Q, R2697Q.
Identifiers: ClinVar variation 2555619 (VCV002555619.3), dbSNP rs757800931, ClinGen allele CA670929.